The following is an entry in ClinVar:

NM_000551.4(VHL):c.555C>T (p.Tyr185=)

Genes: VHL (von Hippel-Lindau tumor suppressor; plus strand), LOC107303340 (3p25 von Hippel-Lindau tumor suppressor, E3 ubiquitin protein ligase Alu-mediated recombination region; plus strand). Cytogenetic location: 3p25.3.
Variant type: single nucleotide variant.
Coding change: c.555C>T on transcript NM_000551.4 (MANE Select); coding-DNA position 555, C replaced by T.
Protein change: p.Tyr185=; no amino-acid change (tyrosine 185 retained).
Molecular consequence: synonymous variant. On other transcripts: 3 prime UTR variant (1).
Genome position (GRCh38, 1-based): chr3:10,149,878, C>T. VCF-style: chr3-10149878-C-T. GRCh37 (hg19) VCF-style: chr3-10191562-C-T.
Other names: c.*109C>T (NM_001354723.2); c.432C>T, p.Tyr144= (NM_198156.3).
Identifiers: ClinVar variation 219472 (VCV000219472.20), dbSNP rs864622109, ClinGen allele CA349343.
Genomic context (GRCh38, chr3:10,149,878, plus strand): 5'-TGTCCGGAGCCTAGTCAAGCCTGAGAATTACAGGAGACTGGACATCGTCAGGTCGCTCTA[C>T]GAAGATCTGGAAGACCACCCAAATGTGCAGAAAGACCTGGAGCGGCTGACACAGGAGCGC-3'
Protein context (NP_000542.1, residues 175-195): YRRLDIVRSL[Tyr185=]EDLEDHPNVQ

ClinVar aggregate classification (germline): Benign/Likely benign. Review status: criteria provided, multiple submitters, no conflicts (2 of 4 stars). 7 submissions from 7 submitters: Benign (1); Likely benign (6). Last evaluated 2026-08-17.

Conditions:
VHL-related disorder. Also called: VHL-related condition.
Chuvash polycythemia. Also called: POLYCYTHEMIA, VHL-DEPENDENT. Identifiers: Orphanet 238557, MedGen C1837915, MONDO:0009892, OMIM 263400.
Von Hippel-Lindau syndrome (VHLS). Also called: Von Hippel-Lindau; VHL syndrome; von Hippel–Lindau syndrome. Identifiers: Orphanet 892, MedGen C0019562, MONDO:0008667, OMIM 193300. Disease mechanism: loss of function.
Hereditary cancer-predisposing syndrome. Also called: Neoplastic Syndromes, Hereditary; Tumor predisposition; Hereditary Cancer Syndrome; Hereditary neoplastic syndrome. Identifiers: Orphanet 140162, MedGen C0027672, MeSH D009386, MONDO:0015356.

Allele frequency attached by ClinVar (database versions not stated): gnomAD exomes 0.00001; TOPMed 0.00001; gnomAD 0.00003 and 0.00004.
gnomAD v4.1: 18 of 1,614,022 alleles (0.0011%); highest among the groups gnomAD compares: African/African-American, 0.012%; no homozygotes.

Submissions (7):

PreventionGenetics, part of Exact Sciences
Classification: Likely benign for VHL-related condition. Last evaluated: 2026-08-17. Review status: criteria provided, single submitter. Criteria: ACMG Guidelines, 2015. Collection method: clinical testing. Allele origin: germline.
Comment: This variant is classified as likely benign based on ACMG/AMP sequence variant interpretation guidelines (Richards et al. 2015 PMID: 25741868, with internal and published modifications).

Labcorp Genetics (formerly Invitae), Labcorp
Classification: Likely benign for Von Hippel-Lindau syndrome; Chuvash polycythemia. Last evaluated: 2025-11-17. Review status: criteria provided, single submitter. Criteria: Invitae Variant Classification Sherloc (09022015). Collection method: clinical testing. Allele origin: germline.

Myriad Genetics, Inc.
Classification: Benign for Von Hippel-Lindau syndrome. Last evaluated: 2025-06-13. Review status: criteria provided, single submitter. Criteria: Myriad Autosomal Dominant, Autosomal Recessive and X-Linked Classification Criteria (2023). Collection method: clinical testing. Allele origin: unknown.
Comment: This variant is considered benign. This variant is a silent/synonymous amino acid change and it is not expected to impact splicing.

All of Us Research Program, National Institutes of Health
Classification: Likely benign for Von Hippel-Lindau syndrome. Last evaluated: 2023-07-10. Review status: criteria provided, single submitter. Criteria: ACMG Guidelines, 2015. Collection method: clinical testing. Allele origin: germline. Inheritance: Autosomal dominant inheritance. Observed: 1 variant allele, 1 heterozygote.
Comment: This study involves interpretation of variants in research participants for the purpose of population health screening. Participant phenotype was not available at the time of variant classification. Additional details can be found in publication PMID: 35346344, PMCID: PMC8962531

Color Diagnostics, LLC DBA Color Health
Classification: Likely benign for Von Hippel-Lindau syndrome. Last evaluated: 2022-04-27. Review status: criteria provided, single submitter. Criteria: ACMG Guidelines, 2015. Collection method: clinical testing. Allele origin: germline.

GeneDx
Classification: Likely benign. Last evaluated: 2016-12-27. Review status: criteria provided, single submitter. Criteria: GeneDx Variant Classification (06012015). Collection method: clinical testing. Allele origin: germline. Affected: yes.
Comment: This variant is considered likely benign or benign based on one or more of the following criteria: it is a conservative change, it occurs at a poorly conserved position in the protein, it is predicted to be benign by multiple in silico algorithms, and/or has population frequency not consistent with disease.

Ambry Genetics
Classification: Likely benign for Hereditary cancer-predisposing syndrome. Last evaluated: 2016-09-27. Review status: criteria provided, single submitter. Criteria: Ambry Variant Classification Scheme 2023. Collection method: clinical testing. Allele origin: germline.